The following is an entry in ClinVar:

NM_000057.4(BLM):c.296C>T (p.Thr99Ile)

Gene: BLM (BLM RecQ like helicase; plus strand). Cytogenetic location: 15q26.1.
Variant type: single nucleotide variant.
Coding change: c.296C>T on transcript NM_000057.4 (MANE Select); coding-DNA position 296, C replaced by T.
Protein change: p.Thr99Ile; replaces threonine 99 with isoleucine.
Molecular consequence: missense variant. On other transcripts: 5 prime UTR variant (1).
Genome position (GRCh38, 1-based): chr15:90,749,564, C>T. VCF-style: chr15-90749564-C-T. GRCh37 (hg19) VCF-style: chr15-91292794-C-T.
Other names: c.296C>T, p.Thr99Ile (NM_001287246.2, NM_001287247.2); c.-996C>T (NM_001287248.2); short protein forms T99I.
Identifiers: ClinVar variation 3824444 (VCV003824444.2).

ClinVar aggregate classification (germline): Uncertain significance. Review status: criteria provided, multiple submitters, no conflicts (2 of 4 stars). 2 submissions from 2 submitters: Uncertain significance (2). Last evaluated 2025-12-10.

Conditions:
Hereditary cancer-predisposing syndrome. Also called: Hereditary neoplastic syndrome; Neoplastic Syndromes, Hereditary; Tumor predisposition; Hereditary Cancer Syndrome. Identifiers: Orphanet 140162, MedGen C0027672, MeSH D009386, MONDO:0015356.
Bloom syndrome (BLM). Also called: Bloom-Torre-Machacek syndrome. Identifiers: Orphanet 125, MedGen C0005859, MONDO:0008876, OMIM 210900.

Submissions (2):

Labcorp Genetics (formerly Invitae), Labcorp
Classification: Uncertain significance for Bloom syndrome. Last evaluated: 2025-12-10. Review status: criteria provided, single submitter. Criteria: Invitae Variant Classification Sherloc (09022015). Collection method: clinical testing. Allele origin: germline.
Comment: This sequence change replaces threonine, which is neutral and polar, with isoleucine, which is neutral and non-polar, at codon 99 of the BLM protein (p.Thr99Ile). This variant is not present in population databases (gnomAD no frequency). This variant has not been reported in the literature in individuals affected with BLM-related conditions. ClinVar contains an entry for this variant (Variation ID: 3824444). An algorithm developed to predict the effect of missense changes on protein structure and function outputs the following: PolyPhen-2: "Benign". The isoleucine amino acid residue is found in multiple mammalian species, which suggests that this missense change does not adversely affect protein function. In summary, the available evidence is currently insufficient to determine the role of this variant in disease. Therefore, it has been classified as a Variant of Uncertain Significance.

Ambry Genetics
Classification: Uncertain significance for Hereditary cancer-predisposing syndrome. Last evaluated: 2024-12-31. Review status: criteria provided, single submitter. Criteria: Ambry Variant Classification Scheme 2023. Collection method: clinical testing. Allele origin: germline.
Comment: The p.T99I variant (also known as c.296C>T), located in coding exon 2 of the BLM gene, results from a C to T substitution at nucleotide position 296. The threonine at codon 99 is replaced by isoleucine, an amino acid with similar properties. This amino acid position is conserved. In addition, this alteration is predicted to be tolerated by in silico analysis. Based on the available evidence, the clinical significance of this variant remains unclear.